The following is an entry in ClinVar:

NM_015164.4(PLEKHM2):c.2576C>G (p.Ala859Gly)

Gene: PLEKHM2 (pleckstrin homology and RUN domain containing M2; plus strand). Cytogenetic location: 1p36.21.
Variant type: single nucleotide variant.
Coding change: c.2576C>G on transcript NM_015164.4 (MANE Select); coding-DNA position 2576, C replaced by G.
Protein change: p.Ala859Gly; replaces alanine 859 with glycine.
Molecular consequence: missense variant.
Genome position (GRCh38, 1-based): chr1:15,731,999, C>G. VCF-style: chr1-15731999-C-G. GRCh37 (hg19) VCF-style: chr1-16058494-C-G.
Other names: short protein forms A859G.
Identifiers: ClinVar variation 1003558 (VCV001003558.8), dbSNP rs1390978555, ClinGen allele CA338573796.
Genomic context (GRCh38, chr1:15,731,999, plus strand): 5'-ACGCCTTCCAGGTCATTCTCTCCGACCGGCCCTGCCTGGAGCTAAGTGCCGAGAGCGAGG[C>G]CGAGATGGCCGAGTGGATGCAGCATCTCTGCCAGGCTGTGTCCAAAGGGGTGAGCTTCGC-3'
Protein context (NP_055979.2, residues 849-869): PCLELSAESE[Ala859Gly]EMAEWMQHLC

ClinVar aggregate classification (germline): Uncertain significance (1 of 4 stars; one submission).

gnomAD v4.1: 5 of 1,612,422 alleles (0.00031%); highest among the groups gnomAD compares: Non-Finnish European, 0.00042%; no homozygotes.

Submission:

Labcorp Genetics (formerly Invitae), Labcorp
Classification: Uncertain significance. Last evaluated: 2024-06-10. Review status: criteria provided, single submitter. Criteria: Invitae Variant Classification Sherloc (09022015). Collection method: clinical testing. Allele origin: germline.
Comment: This sequence change replaces alanine, which is neutral and non-polar, with glycine, which is neutral and non-polar, at codon 859 of the PLEKHM2 protein (p.Ala859Gly). This variant is present in population databases (no rsID available, gnomAD 0.0009%). This variant has not been reported in the literature in individuals affected with PLEKHM2-related conditions. ClinVar contains an entry for this variant (Variation ID: 1003558). An algorithm developed to predict the effect of missense changes on protein structure and function (PolyPhen-2) suggests that this variant is likely to be tolerated. In summary, the available evidence is currently insufficient to determine the role of this variant in disease. Therefore, it has been classified as a Variant of Uncertain Significance.